The following is an entry in ClinVar:

NM_000363.5(TNNI3):c.502G>A (p.Asp168Asn)

Gene: TNNI3 (troponin I3, cardiac type; minus strand). Cytogenetic location: 19q13.42.
Variant type: single nucleotide variant.
Coding change: c.502G>A on transcript NM_000363.5 (MANE Select); coding-DNA position 502, G replaced by A.
Protein change: p.Asp168Asn; replaces aspartic acid 168 with asparagine.
Molecular consequence: missense variant.
Genome position (GRCh38, 1-based): chr19:55,154,077, C>T on the plus strand (G>A on the coding strand, the complement: TNNI3 is on the minus strand). VCF-style: chr19-55154077-C-T. GRCh37 (hg19) VCF-style: chr19-55665445-C-T.
Other names: c.502G>A (LRG_432t1); short protein forms D168N.
Identifiers: ClinVar variation 427197 (VCV000427197.8), dbSNP rs1085308019, ClinGen allele CA407440316.

ClinVar aggregate classification (germline): Conflicting classifications of pathogenicity. Review status: criteria provided, conflicting classifications (1 of 4 stars). 4 submissions from 4 submitters: Likely pathogenic (1); Uncertain significance (3). Last evaluated 2024-11-03.

Conditions:
Hypertrophic cardiomyopathy. Also called: HYPERTROPHIC MYOCARDIOPATHY. Identifiers: Orphanet 217569, MedGen C0007194, MeSH D002312, MONDO:0005045, HP:0001639.
Cardiovascular phenotype. Identifiers: MedGen CN230736.

Allele frequency attached by ClinVar (database versions not stated): gnomAD exomes below 0.00001.

Submissions (4):

Labcorp Genetics (formerly Invitae), Labcorp
Classification: Uncertain significance for Hypertrophic cardiomyopathy. Last evaluated: 2024-11-03. Review status: criteria provided, single submitter. Criteria: Invitae Variant Classification Sherloc (09022015). Collection method: clinical testing. Allele origin: germline.
Comment: This sequence change replaces aspartic acid, which is acidic and polar, with asparagine, which is neutral and polar, at codon 168 of the TNNI3 protein (p.Asp168Asn). This variant is not present in population databases (gnomAD no frequency). This variant has not been reported in the literature in individuals affected with TNNI3-related conditions. ClinVar contains an entry for this variant (Variation ID: 427197). An algorithm developed to predict the effect of missense changes on protein structure and function (PolyPhen-2) suggests that this variant is likely to be disruptive. In summary, the available evidence is currently insufficient to determine the role of this variant in disease. Therefore, it has been classified as a Variant of Uncertain Significance.

All of Us Research Program, National Institutes of Health
Classification: Uncertain significance for Hypertrophic cardiomyopathy. Last evaluated: 2024-01-11. Review status: criteria provided, single submitter. Criteria: ACMG Guidelines, 2015. Collection method: clinical testing. Allele origin: germline. Inheritance: Autosomal dominant inheritance. Observed: 2 variant alleles, 2 heterozygotes.
Comment: To date, this variant has not been reported in association with human disease in the medical literature. This variant is located in a functional domain of the protein where other pathogenic or likely pathogenic variants have been described. This variant is absent from or rare in large population databases, including the Genome Aggregation Database. This variant is predicted to be deleterious by in silico analysis. This prediction has not been confirmed by functional studies.

This study involves interpretation of variants in research participants for the purpose of population health screening. Participant phenotype was not available at the time of variant classification. Additional details can be found in publication PMID: 35346344, PMCID: PMC8962531

Ambry Genetics
Classification: Uncertain significance for Cardiovascular phenotype. Last evaluated: 2023-03-28. Review status: criteria provided, single submitter. Criteria: Ambry Variant Classification Scheme 2023. Collection method: clinical testing. Allele origin: germline.
Comment: The p.D168N variant (also known as c.502G>A), located in coding exon 7 of the TNNI3 gene, results from a G to A substitution at nucleotide position 502. The aspartic acid at codon 168 is replaced by asparagine, an amino acid with highly similar properties. This amino acid position is highly conserved in available vertebrate species. In addition, the in silico prediction for this alteration is inconclusive. Since supporting evidence is limited at this time, the clinical significance of this alteration remains unclear.

GeneDx
Classification: Likely pathogenic. Last evaluated: 2015-04-13. Review status: criteria provided, single submitter. Criteria: GeneDx Variant Classification (06012015). Collection method: clinical testing. Allele origin: germline. Affected: yes.
Comment: The D168N variant has not been published as a pathogenic variant, nor has it been reported as a benign polymorphism to our knowledge. The D168N variant was not observed in approximately 6200 individuals of European and African American ancestry in the NHLBI Exome Sequencing Project, indicating it is not a common benign variant in these populations. The D168N variant is a semi-conservative amino acid substitution, which may impact secondary protein structure as these residues differ in some properties. Additionally, this substitution occurs at a position that is conserved across species. In silico analysis predicts this variant is probably damaging to the protein structure/function. Finally, missense variants in nearby residues (S166F, L167P, R170Q, A171T) have been reported in the Human Gene Mutation Database in association with cardiomyopathy (Stenson et al., 2014), supporting the functional importance of this region of the protein.Therefore, this variant is a strong candidate for a pathogenic variant, however the possibility that it is a benign variant cannot be excluded.